The following is an entry in ClinVar:

NM_004281.4(BAG3):c.1035G>C (p.Glu345Asp)

Gene: BAG3 (BAG cochaperone 3; plus strand). Cytogenetic location: 10q26.11.
Variant type: single nucleotide variant.
Coding change: c.1035G>C on transcript NM_004281.4 (MANE Select); coding-DNA position 1035, G replaced by C.
Protein change: p.Glu345Asp; replaces glutamic acid 345 with aspartic acid.
Molecular consequence: missense variant.
Genome position (GRCh38, 1-based): chr10:119,676,589, G>C. VCF-style: chr10-119676589-G-C. GRCh37 (hg19) VCF-style: chr10-121436101-G-C.
Other names: short protein forms E345D.
Identifiers: ClinVar variation 386029 (VCV000386029.12), dbSNP rs1057522401, ClinGen allele CA16605822.

ClinVar aggregate classification (germline): Uncertain significance. Review status: criteria provided, multiple submitters, no conflicts (2 of 4 stars). 3 submissions from 3 submitters: Uncertain significance (3). Last evaluated 2025-08-06.

Conditions:
Myofibrillar myopathy 6. Identifiers: Orphanet 199340, MedGen C2751831, MONDO:0013061, OMIM 612954.
Dilated cardiomyopathy 1HH (CMD1HH). Identifiers: Orphanet 154, MedGen C3151293, MONDO:0013479, OMIM 613881.
Cardiovascular phenotype. Identifiers: MedGen CN230736.

Allele frequency attached by ClinVar (database versions not stated): gnomAD exomes 0.00001.
gnomAD v4.1: 3 of 1,614,068 alleles (0.00019%); highest among the groups gnomAD compares: Admixed American, 0.0033%; no homozygotes.

Submissions (3):

Labcorp Genetics (formerly Invitae), Labcorp
Classification: Uncertain significance for Dilated cardiomyopathy 1HH; Myofibrillar myopathy 6. Last evaluated: 2025-08-06. Review status: criteria provided, single submitter. Criteria: Invitae Variant Classification Sherloc (09022015). Collection method: clinical testing. Allele origin: germline.
Comment: This sequence change replaces glutamic acid, which is acidic and polar, with aspartic acid, which is acidic and polar, at codon 345 of the BAG3 protein (p.Glu345Asp). This variant is present in population databases (no rsID available, gnomAD 0.003%). This variant has not been reported in the literature in individuals affected with BAG3-related conditions. ClinVar contains an entry for this variant (Variation ID: 386029). Invitae Evidence Modeling of protein sequence and biophysical properties (such as structural, functional, and spatial information, amino acid conservation, physicochemical variation, residue mobility, and thermodynamic stability) indicates that this missense variant is not expected to disrupt BAG3 protein function with a negative predictive value of 80%. In summary, the available evidence is currently insufficient to determine the role of this variant in disease. Therefore, it has been classified as a Variant of Uncertain Significance.

Ambry Genetics
Classification: Uncertain significance for Cardiovascular phenotype. Last evaluated: 2025-02-09. Review status: criteria provided, single submitter. Criteria: Ambry Variant Classification Scheme 2023. Collection method: clinical testing. Allele origin: germline.
Comment: The p.E345D variant (also known as c.1035G>C), located in coding exon 4 of the BAG3 gene, results from a G to C substitution at nucleotide position 1035. The glutamic acid at codon 345 is replaced by aspartic acid, an amino acid with highly similar properties. This amino acid position is conserved. In addition, this alteration is predicted to be tolerated by in silico analysis. Since supporting evidence is limited at this time, the clinical significance of this alteration remains unclear.

GeneDx
Classification: Uncertain significance. Last evaluated: 2016-05-06. Review status: criteria provided, single submitter. Criteria: GeneDx Variant Classification (06012015). Collection method: clinical testing. Allele origin: germline. Affected: yes.
Comment: A novel variant of uncertain significance has been identified in the BAG3 gene. The E345D variant has not been published as a pathogenic variant, nor has it been reported as a benign variant to our knowledge. The E345D variant was not observed in approximately 6,500 individuals of European and African American ancestry in the NHLBI Exome Sequencing Project, indicating it is not a common benign variant in these populations. Nevertheless, the E345D variant is a conservative amino acid substitution, which is not likely to impact secondary protein structure as these residues share similar properties. Furthermore, this substitution occurs at a position where amino acids with similar properties to Glutamic acid are tolerated across species, and Aspartic acid is tolerated at this position in two mammalian species. Consequently, in silico analysis predicts this variant likely does not alter the protein structure/function.Therefore, based on the currently available information, it is unclear whether this variant is pathogenic or rare benign.